The following is an entry in ClinVar:

ClinVar aggregate classification (germline): Uncertain significance (1 of 4 stars; one submission).

gnomAD v4.1: 1 of 1,614,186 alleles (0.000062%); no homozygotes.

Submission:

Labcorp Genetics (formerly Invitae), Labcorp
Classification: Uncertain significance. Last evaluated: 2024-04-13. Review status: criteria provided, single submitter. Criteria: Invitae Variant Classification Sherloc (09022015). Collection method: clinical testing. Allele origin: germline.
Comment: This sequence change replaces glycine, which is neutral and non-polar, with alanine, which is neutral and non-polar, at codon 1519 of the ALPK3 protein (p.Gly1519Ala). This variant is not present in population databases (gnomAD no frequency). This variant has not been reported in the literature in individuals affected with ALPK3-related conditions. Algorithms developed to predict the effect of missense changes on protein structure and function output the following: SIFT: "Not Available"; PolyPhen-2: "Probably Damaging"; Align-GVGD: "Not Available". The alanine amino acid residue is found in multiple mammalian species, which suggests that this missense change does not adversely affect protein function. In summary, the available evidence is currently insufficient to determine the role of this variant in disease. Therefore, it has been classified as a Variant of Uncertain Significance.

NM_020778.5(ALPK3):c.3950G>C (p.Gly1317Ala)

Gene: ALPK3 (alpha kinase 3; plus strand). Cytogenetic location: 15q25.3.
Variant type: single nucleotide variant.
Coding change: c.3950G>C on transcript NM_020778.5 (MANE Select); coding-DNA position 3950, G replaced by C.
Protein change: p.Gly1317Ala; replaces glycine 1317 with alanine.
Molecular consequence: missense variant.
Genome position (GRCh38, 1-based): chr15:84,859,375, G>C. VCF-style: chr15-84859375-G-C. GRCh37 (hg19) VCF-style: chr15-85402606-G-C.
Other names: short protein forms G1317A.
Identifiers: ClinVar variation 3649742 (VCV003649742.2).